The following is an entry in ClinVar:

NM_001077350.3(NPRL3):c.1314C>G (p.Ser438Arg)

Genes: HBA-LCR (alpha-globin locus control region; plus strand), NPRL3 (NPR3 like, GATOR1 complex subunit; minus strand). Cytogenetic location: 16p13.3.
Variant type: single nucleotide variant.
Coding change: c.1314C>G on transcript NM_001077350.3 (MANE Select); coding-DNA position 1314, C replaced by G.
Protein change: p.Ser438Arg; replaces serine 438 with arginine.
Molecular consequence: missense variant.
Genome position (GRCh38, 1-based): chr16:89,750, G>C on the plus strand (C>G on the coding strand, the complement: NPRL3 is on the minus strand). VCF-style: chr16-89750-G-C. GRCh37 (hg19) VCF-style: chr16-139748-G-C.
Other names: c.777C>G, p.Ser259Arg (NM_001039476.3); c.1080C>G, p.Ser360Arg (NM_001243247.2); c.1239C>G, p.Ser413Arg (NM_001243248.2, NM_001243249.2); short protein forms S259R, S360R, S413R, S438R.
Identifiers: ClinVar variation 4528213 (VCV004528213.1).

ClinVar aggregate classification (germline): Uncertain significance (1 of 4 stars; one submission).

Submission:

GeneDx
Classification: Uncertain significance. Last evaluated: 2025-05-10. Review status: criteria provided, single submitter. Criteria: GeneDx Variant Classification Process June 2021. Collection method: clinical testing. Allele origin: germline. Affected: yes.
Comment: Not observed at significant frequency in large population cohorts (gnomAD); In silico analysis supports that this missense variant has a deleterious effect on protein structure/function; Has not been previously published as pathogenic or benign to our knowledge